The following is an entry in ClinVar:

ClinVar aggregate classification (germline): Pathogenic/Likely pathogenic. Review status: criteria provided, multiple submitters, no conflicts (2 of 4 stars). 3 submissions from 3 submitters: Pathogenic (2); Likely pathogenic (1). Last evaluated 2026-03-31.

Conditions:
Recessive dystrophic epidermolysis bullosa (RDEB). Also called: Recessive DEB (RDEB); EPIDERMOLYSIS BULLOSA DYSTROPHICA, GENERALIZED SEVERE, AUTOSOMAL RECESSIVE; severe generalized recessive dystrophic epidermolysis bullosa; Epidermolysis Bullosa Distrophica Autosomal Recessive (RDEB); DYSTROPHIC EPIDERMOLYSIS BULLOSA, AUTOSOMAL RECESSIVE; EPIDERMOLYSIS BULLOSA DYSTROPHICA, HALLOPEAU-SIEMENS TYPE. Identifiers: Orphanet 79408, Orphanet 79409, MedGen C0079474, MONDO:0009179, OMIM 226600.
Epidermolysis bullosa dystrophica. Also called: Dystrophic epidermolysis bullosa, Hallopeau-Siemens type (formerly); Dystrophic epidermolysis bullosa. Identifiers: Orphanet 303, MedGen C0079294, MONDO:0006543.

Submissions (3):

Myriad Genetics, Inc.
Classification: Likely pathogenic for Recessive dystrophic epidermolysis bullosa. Last evaluated: 2026-03-31. Review status: criteria provided, single submitter. Criteria: Myriad Autosomal Dominant, Autosomal Recessive and X-Linked Classification Criteria (2023). Collection method: clinical testing. Allele origin: unknown.
Comment: NM_000094.3(COL7A1):c.8219_8226+1del9ins2 is a variant in a canonical splice site classified as likely pathogenic in the context of dystrophic epidermolysis bullosa. c.8219_8226+1del9ins2 has been observed in cases with relevant disease (PMID: 37556444). Relevant functional assessments of this variant are not available in the literature. c.8219_8226+1del9ins2 has not been observed in referenced population frequency databases. In summary, NM_000094.3(COL7A1):c.8219_8226+1del9ins2 is a variant in a canonical splice site that has been observed more frequently in cases with the relevant disease than in healthy populations. Please note: this variant was assessed in the context of healthy population screening.

Natera, Inc.
Classification: Pathogenic for Dystrophic epidermolysis bullosa. Last evaluated: 2026-01-16. Review status: criteria provided, single submitter. Criteria: Natera Variant Classification Schema (03/2026). Collection method: clinical testing. Allele origin: germline.
Comment: The c.8219_8226+1delinsAC variant in COL7A1 is a canonical splice donor site variant predicted to affect pre-mRNA splicing, which may result in an abnormal transcript and altered protein product. This variant is expected to result in nonsense mediated decay, truncation, or a dysfunctional protein product. This variant is rare in the general population with a frequency below the threshold expected for the associated phenotype(s). This variant has been observed in affected individual(s) with monoallelic occurrence (heterozygous/hemizygous) (PMID: 3755644). Another variant at this same site results in an alteration predicted to cause a similar molecular effect has been observed in individual(s) with the associated phenotype. Given the available evidence, this variant is classified as Pathogenic.

GeneDx
Classification: Pathogenic. Last evaluated: 2025-03-06. Review status: criteria provided, single submitter. Criteria: GeneDx Variant Classification Process June 2021. Collection method: clinical testing. Allele origin: germline.
Comment: Identified in the heterozygous state in a patient with limited clinical findings of dystrophic epidermolysis bullosa in published literature (PMID: 37556444); Canonical splice site variant predicted to result in a null allele in a gene for which loss of function is a known mechanism of disease; This variant is associated with the following publications: (PMID: 37556444)

Literature cited by the submitters: PubMed 37556444 (cited by Myriad Genetics, Inc.); PubMed 3755644 (cited by Natera, Inc.).

NM_000094.4(COL7A1):c.8219_8226+1delinsAC

Gene: COL7A1 (collagen type VII alpha 1 chain; minus strand). Cytogenetic location: 3p21.31.
Variant type: Indel.
Coding change: c.8219_8226+1delinsAC on transcript NM_000094.4 (MANE Select); coding-DNA position 8219 through the canonical splice donor site of the intron after coding-DNA position 8226, GCCAGAAGG replaced by AC.
Molecular consequence: splice donor variant.
Genome position (GRCh38, 1-based): chr3:48,566,906-48,566,914, CCTTCTGGC replaced by GT on the plus strand (GCCAGAAGG replaced by AC on the coding strand, the reverse complement: COL7A1 is on the minus strand). VCF-style: chr3-48566906-CCTTCTGGC-GT. GRCh37 (hg19) VCF-style: chr3-48604339-CCTTCTGGC-GT.
Other names: c.8219_8226+1delinsAC (NM_000094.3).
Identifiers: ClinVar variation 3361691 (VCV003361691.4).
Genomic context (GRCh38, chr3:48,566,906, plus strand): 5'-TTATGAGGTTGGAAGGGTAGGGAAGGTTCAGGGATCAGGAGTCAGAGCTGGGGCCCCTTA[CCTTCTGGC>GT]CCTGAAGTCCTTCGGGGCCTCTGGGACCAACACTGCCAGGTGGCCCTGGGGGACCAGCAG-3'